The following is an entry in ClinVar:

NM_174936.4(PCSK9):c.85del (p.Arg29fs)

Gene: PCSK9 (proprotein convertase subtilisin/kexin type 9; plus strand). Cytogenetic location: 1p32.3.
Variant type: Deletion.
Coding change: c.85del on transcript NM_174936.4 (MANE Select); coding-DNA position 85, one base deleted (C; older notation c.85delC).
Protein change: p.Arg29fs; shifts the reading frame from arginine 29.
Molecular consequence: frameshift variant.
Genome position (GRCh38, 1-based): chr1:55,039,922, C deleted; the last of 3 consecutive C bases (chr1:55,039,920-55,039,922); deleting any one gives the same sequence. VCF-style (leftmost placement, unchanged base first): chr1-55039919-GC-G. GRCh37 (hg19) VCF-style: chr1-55505592-GC-G.
Other names: c.85delC (NM_174936.3); short protein forms R29fs.
Identifiers: ClinVar variation 496566 (VCV000496566.3), dbSNP rs1553135406, ClinGen allele CA658683160.

ClinVar aggregate classification (germline): Conflicting classifications of pathogenicity. Review status: criteria provided, conflicting classifications (1 of 4 stars). 2 submissions from 2 submitters: Pathogenic (1); Uncertain significance (1). Last evaluated 2021-09-29.

Conditions:
Hypercholesterolemia, familial, 1. Also called: LDL RECEPTOR DISORDER; Hyperlipoproteinemia Type IIa; HYPER-LOW-DENSITY-LIPOPROTEINEMIA; HYPERCHOLESTEROLEMIC XANTHOMATOSIS, FAMILIAL; Fredrickson type IIa hyperlipoproteinemia; Hyperlipoproteinemia type 2. Identifiers: Orphanet 391665, MedGen C0745103, MONDO:0007750, OMIM 143890.

Submissions (2):

Women's Health and Genetics/Laboratory Corporation of America, LabCorp
Classification: Uncertain significance. Last evaluated: 2021-09-29. Review status: criteria provided, single submitter. Criteria: LabCorp Variant Classification Summary - May 2015. Collection method: clinical testing. Allele origin: germline.
Comment: Variant summary: PCSK9 c.85delC (p.Arg29ValfsX15) results in a premature termination codon, predicted to cause a truncation of the encoded protein or absence of the protein due to nonsense mediated decay, which are commonly known mechanisms for Hyporcholesterolemia but not for Hypercholesterolemia. The variant was absent in 175998 control chromosomes. To our knowledge, no occurrence of c.85delC in individuals affected with Familial Hypercholesterolemia and no experimental evidence demonstrating its impact on protein function have been reported. One clinical diagnostic laboratory has submitted clinical-significance assessments for this variant to ClinVar after 2014 without evidence for independent evaluation and classified the variant as pathogenic. Hyporcholesterolemia may associate with other symptoms (PMID 20626336). However, this variant is likely to confer protection against coronary artery disease due to its LDLC reducing effect (PMID 24507774). Based on the evidence outlined above, the variant was classified as VUS.

Iberoamerican FH Network
Classification: Pathogenic for Familial hypercholesterolemia. Last evaluated: 2016-03-01. Review status: criteria provided, single submitter. Criteria: ACMG Guidelines, 2015. Collection method: research. Allele origin: germline. Inheritance: Autosomal dominant inheritance.
Comment: Variant present in the database from Uruguay